The following is an entry in ClinVar:

NM_152703.5(SAMD9L):c.2331T>G (p.Ile777Met)

Gene: SAMD9L (sterile alpha motif domain containing 9 like; minus strand). Cytogenetic location: 7q21.2.
Variant type: single nucleotide variant.
Coding change: c.2331T>G on transcript NM_152703.5 (MANE Select); coding-DNA position 2331, T replaced by G.
Protein change: p.Ile777Met; replaces isoleucine 777 with methionine.
Molecular consequence: missense variant.
Genome position (GRCh38, 1-based): chr7:93,133,641, A>C on the plus strand (T>G on the coding strand, the complement: SAMD9L is on the minus strand). VCF-style: chr7-93133641-A-C. GRCh37 (hg19) VCF-style: chr7-92762954-A-C.
Other names: c.2331T>G, p.Ile777Met (NM_001303496.3, NM_001303497.3, NM_001303498.3 and 5 more transcripts); short protein forms I777M.
Identifiers: ClinVar variation 3949910 (VCV003949910.2).
Genomic context (GRCh38, chr7:93,133,641, plus strand): 5'-AGGAATGTAATCCTGATGGCTCTTTGCCCTATAGGTGACCAGATTGATCACTTGCTCTGC[A>C]ATTTCTGCAAAATCAGTTGTCTTGTTTTTTAACACAGCACATCTGAAGTTTTTCTTTAAG-3'
Protein context (NP_689916.2, residues 767-787): LKNKTTDFAE[Ile777Met]AEQVINLVTY

ClinVar aggregate classification (germline): Uncertain significance. Review status: criteria provided, multiple submitters, no conflicts (2 of 4 stars). 2 submissions from 2 submitters: Uncertain significance (2). Last evaluated 2025-05-31.

Conditions:
Inborn genetic diseases. Identifiers: MedGen C0950123, MeSH D030342.

gnomAD v4.1: 2 of 1,613,600 alleles (0.00012%); highest among the groups gnomAD compares: Admixed American, 0.0017%; no homozygotes.

Submissions (2):

Labcorp Genetics (formerly Invitae), Labcorp
Classification: Uncertain significance. Last evaluated: 2025-05-31. Review status: criteria provided, single submitter. Criteria: Invitae Variant Classification Sherloc (09022015). Collection method: clinical testing. Allele origin: germline.
Comment: This sequence change replaces isoleucine, which is neutral and non-polar, with methionine, which is neutral and non-polar, at codon 777 of the SAMD9L protein (p.Ile777Met). This variant is present in population databases (no rsID available, gnomAD 0.007%). This variant has not been reported in the literature in individuals affected with SAMD9L-related conditions. Invitae Evidence Modeling of protein sequence and biophysical properties (such as structural, functional, and spatial information, amino acid conservation, physicochemical variation, residue mobility, and thermodynamic stability) indicates that this missense variant is expected to disrupt SAMD9L protein function with a positive predictive value of 80%. In summary, the available evidence is currently insufficient to determine the role of this variant in disease. Therefore, it has been classified as a Variant of Uncertain Significance.

Ambry Genetics
Classification: Uncertain significance for Inborn genetic diseases. Last evaluated: 2025-05-10. Review status: criteria provided, single submitter. Criteria: Ambry Variant Classification Scheme 2023. Collection method: clinical testing. Allele origin: germline.
Comment: The p.I777M variant (also known as c.2331T>G), located in coding exon 1 of the SAMD9L gene, results from a T to G substitution at nucleotide position 2331. The isoleucine at codon 777 is replaced by methionine, an amino acid with highly similar properties. This amino acid position is conserved. In addition, this alteration is predicted to be tolerated by in silico analysis. Based on the available evidence, the clinical significance of this variant remains unclear.